The following is an entry in ClinVar:

NM_001365088.1(SLC12A6):c.1649+20G>A

Gene: SLC12A6 (solute carrier family 12 member 6; minus strand). Cytogenetic location: 15q14.
Variant type: single nucleotide variant.
Coding change: c.1649+20G>A on transcript NM_001365088.1 (MANE Select); 20 bases into the intron after coding-DNA position 1649, G replaced by A.
Molecular consequence: intron variant.
Genome position (GRCh38, 1-based): chr15:34,250,278, C>T on the plus strand (G>A on the coding strand, the complement: SLC12A6 is on the minus strand). VCF-style: chr15-34250278-C-T. GRCh37 (hg19) VCF-style: chr15-34542479-C-T.
Other names: c.1472+20G>A (NM_001042495.2, NM_001042494.2); c.1622+20G>A (NM_001042496.2); c.1604+20G>A (NM_001042497.2); c.1649+20G>A (NM_133647.2); c.1496+20G>A (NM_005135.2).
Identifiers: ClinVar variation 675724 (VCV000675724.10), dbSNP rs201054191, ClinGen allele CA7464255.

ClinVar aggregate classification (germline): Likely benign. Review status: criteria provided, multiple submitters, no conflicts (2 of 4 stars). 3 submissions from 3 submitters: Likely benign (3). Last evaluated 2026-01-11.

Allele frequency attached by ClinVar (database versions not stated): ESP Exome Variant Server 0.00015; gnomAD exomes 0.00015 and 0.00029; 1000 Genomes Project 30x 0.00016; ExAC 0.00016; 1000 Genomes Project 0.00020; gnomAD 0.00027 and 0.00028; TOPMed 0.00028.
gnomAD v4.1: 386 of 1,353,202 alleles (0.029%); highest among the groups gnomAD compares: Non-Finnish European, 0.037%; no homozygotes.

Submissions (3):

Labcorp Genetics (formerly Invitae), Labcorp
Classification: Likely benign. Last evaluated: 2026-01-11. Review status: criteria provided, single submitter. Criteria: Invitae Variant Classification Sherloc (09022015). Collection method: clinical testing. Allele origin: germline.

Blueprint Genetics
Classification: Likely benign. Last evaluated: 2024-08-14. Review status: criteria provided, single submitter. Criteria: ACMG Guidelines, 2015. Collection method: clinical testing. Allele origin: germline.

GeneDx
Classification: Likely benign. Last evaluated: 2018-05-04. Review status: criteria provided, single submitter. Criteria: GeneDx Variant Classification (06012015). Collection method: clinical testing. Allele origin: germline. Affected: yes.
Comment: This variant is considered likely benign or benign based on one or more of the following criteria: it is a conservative change, it occurs at a poorly conserved position in the protein, it is predicted to be benign by multiple in silico algorithms, and/or has population frequency not consistent with disease.